The following is an entry in ClinVar:

NM_001042492.3(NF1):c.5610-451del

Gene: NF1 (neurofibromin 1; plus strand). Cytogenetic location: 17q11.2.
Variant type: Deletion.
Coding change: c.5610-451del on transcript NM_001042492.3 (MANE Select); 451 bases into the intron before coding-DNA position 5610, one base deleted (G; older notation c.5610-451delG).
Molecular consequence: intron variant.
Genome position (GRCh38, 1-based): chr17:31,329,845, G deleted; the last of 3 consecutive G bases (chr17:31,329,843-31,329,845); deleting any one gives the same sequence. VCF-style (leftmost placement, unchanged base first): chr17-31329842-AG-A. GRCh37 (hg19) VCF-style: chr17-29656860-AG-A.
Other names: c.5547-451del (NM_000267.4).
Identifiers: ClinVar variation 4982466 (VCV004982466.1).

ClinVar aggregate classification (germline): Likely benign (1 of 4 stars; one submission).

Conditions:
NF1-related disorder. Also called: NF1-related condition. Identifiers: MedGen CN379171.

Submission:

PreventionGenetics, part of Exact Sciences
Classification: Likely benign for NF1-related condition. Last evaluated: 2025-04-22. Review status: criteria provided, single submitter. Criteria: ACMG Guidelines, 2015. Collection method: clinical testing. Allele origin: germline.
Comment: This variant is classified as likely benign based on ACMG/AMP sequence variant interpretation guidelines (Richards et al. 2015 PMID: 25741868, with internal and published modifications).